The following is an entry in ClinVar:

ClinVar aggregate classification (germline): Uncertain significance. Review status: criteria provided, multiple submitters, no conflicts (2 of 4 stars). 2 submissions from 2 submitters: Uncertain significance (2). Last evaluated 2026-02-26.

Submissions (2):

Ambry Genetics
Classification: Uncertain significance. Last evaluated: 2026-02-26. Review status: criteria provided, single submitter. Criteria: Ambry Variant Classification Scheme 2023. Collection method: clinical testing. Allele origin: germline.

Labcorp Genetics (formerly Invitae), Labcorp
Classification: Uncertain significance. Last evaluated: 2023-09-15. Review status: criteria provided, single submitter. Criteria: Invitae Variant Classification Sherloc (09022015). Collection method: clinical testing. Allele origin: germline.
Comment: This sequence change replaces phenylalanine, which is neutral and non-polar, with leucine, which is neutral and non-polar, at codon 62 of the H4C3 protein (p.Phe62Leu). This variant is not present in population databases (gnomAD no frequency). This variant has not been reported in the literature in individuals affected with H4C3-related conditions. An algorithm developed to predict the effect of missense changes on protein structure and function (PolyPhen-2) suggests that this variant is likely to be disruptive. In summary, the available evidence is currently insufficient to determine the role of this variant in disease. Therefore, it has been classified as a Variant of Uncertain Significance.

NM_003542.4(H4C3):c.186C>G (p.Phe62Leu)

Gene: H4C3 (H4 clustered histone 3; plus strand). Cytogenetic location: 6p22.2.
Variant type: single nucleotide variant.
Coding change: c.186C>G on transcript NM_003542.4 (MANE Select); coding-DNA position 186, C replaced by G.
Protein change: p.Phe62Leu; replaces phenylalanine 62 with leucine.
Molecular consequence: missense variant.
Genome position (GRCh38, 1-based): chr6:26,104,133, C>G. VCF-style: chr6-26104133-C-G. GRCh37 (hg19) VCF-style: chr6-26104361-C-G.
Other names: c.186C>G (NM_003542.3); short protein forms F62L.
Identifiers: ClinVar variation 2761000 (VCV002761000.4), dbSNP rs141888021, ClinGen allele CA363181281.
Genomic context (GRCh38, chr6:26,104,133, plus strand): 5'-TGGCGTCAAGCGCATTTCCGGTCTTATCTATGAGGAGACTCGAGGTGTGCTTAAGGTTTT[C>G]TTAGAGAACGTTATTCGAGACGCCGTCACCTATACGGAGCACGCCAAGCGCAAAACTGTC-3'
Protein context (NP_003533.1, residues 52-72): YEETRGVLKV[Phe62Leu]LENVIRDAVT